The following is an entry in ClinVar:

ClinVar aggregate classification (germline): Pathogenic/Likely pathogenic. Review status: criteria provided, multiple submitters, no conflicts (2 of 4 stars). 2 submissions from 2 submitters: Pathogenic (1); Likely pathogenic (1). Last evaluated 2021-06-17.

Conditions:
Ehlers-Danlos syndrome, classic type, 1 (EDSCL1). Also called: Ehlers-Danlos syndrome, type 1; Ehlers-Danlos Syndrome, Classic Type, COL5A1-Related; EDS I; EHLERS-DANLOS SYNDROME, GRAVIS TYPE; EHLERS-DANLOS SYNDROME, SEVERE CLASSIC TYPE. Identifiers: MedGen C0268335, MONDO:0019567, OMIM 130000.
COL5A1-related disorders.

Submissions (2):

Labcorp Genetics (formerly Invitae), Labcorp
Classification: Pathogenic for Ehlers-Danlos syndrome, classic type, 1. Last evaluated: 2021-06-17. Review status: criteria provided, single submitter. Criteria: Invitae Variant Classification Sherloc (09022015). Collection method: clinical testing. Allele origin: germline.
Comment: For these reasons, this variant has been classified as Pathogenic. This variant has not been reported in the literature in individuals with COL5A1-related conditions. This variant is not present in population databases (ExAC no frequency). This sequence change creates a premature translational stop signal (p.Gly1462Argfs*20) in the COL5A1 gene. It is expected to result in an absent or disrupted protein product. Loss-of-function variants in COL5A1 are known to be pathogenic (PMID: 23587214).

Blueprint Genetics
Classification: Likely pathogenic for COL5A1-related disorders. Last evaluated: 2017-07-03. Review status: criteria provided, single submitter. Criteria: ACMG Guidelines, 2015. Collection method: clinical testing. Allele origin: germline. Affected: yes. Observed: 1 variant allele.

Literature cited by the submitters: PubMed 23587214 (cited by Labcorp Genetics (formerly Invitae), Labcorp).

NM_000093.5(COL5A1):c.4383dup (p.Gly1462fs)

Gene: COL5A1 (collagen type V alpha 1 chain; plus strand). Cytogenetic location: 9q34.3.
Variant type: Duplication.
Coding change: c.4383dup on transcript NM_000093.5 (MANE Select); coding-DNA position 4383, one base duplicated (C; older notation c.4383dupC).
Protein change: p.Gly1462fs; shifts the reading frame from glycine 1462.
Molecular consequence: frameshift variant.
Genome position (GRCh38, 1-based): chr9:134,818,892, C duplicated; the last of 6 consecutive C bases (chr9:134,818,887-134,818,892); duplicating any one gives the same sequence. VCF-style (leftmost placement, unchanged base first): chr9-134818886-T-TC. GRCh37 (hg19) VCF-style: chr9-137710732-T-TC.
Other names: c.4383dup, p.Gly1462fs (NM_001278074.1); short protein forms G1462fs.
Identifiers: ClinVar variation 1458837 (VCV001458837.7), dbSNP rs2132864817, ClinGen allele CA2573144142.
Genomic context (GRCh38, chr9:134,818,886, plus strand): 5'-GCAGAGCGTCTCTGTGTTTCAGGGAGAACAAGGTCTCCCAGGATCCCCAGGCCCGGACGG[T>TC]CCCCCCGGCCCCATGGTGAGTCACATTCCTCATGGTGAGCATAGCGGGTGGGATGACTTC-3'